The following is an entry in ClinVar:

ClinVar aggregate classification (germline): Uncertain significance. Review status: criteria provided, multiple submitters, no conflicts (2 of 4 stars). 2 submissions from 2 submitters: Uncertain significance (2). Last evaluated 2023-10-13.

Conditions:
Candidiasis, familial, 9 (CANDF9). Identifiers: Orphanet 1334, MedGen C4225324, MONDO:0014642, OMIM 616445.

Allele frequency attached by ClinVar (database versions not stated): gnomAD exomes below 0.00001; gnomAD 0.00002; TOPMed 0.00002.
gnomAD v4.1: 26 of 1,606,174 alleles (0.0016%); highest among the groups gnomAD compares: Non-Finnish European, 0.0018%; no homozygotes.

Submissions (2):

Labcorp Genetics (formerly Invitae), Labcorp
Classification: Uncertain significance for Candidiasis, familial, 9. Last evaluated: 2023-10-13. Review status: criteria provided, single submitter. Criteria: Invitae Variant Classification Sherloc (09022015). Collection method: clinical testing. Allele origin: germline.
Comment: This sequence change replaces alanine, which is neutral and non-polar, with valine, which is neutral and non-polar, at codon 237 of the IL17RC protein (p.Ala237Val). This variant is present in population databases (rs770092351, gnomAD 0.002%). This variant has not been reported in the literature in individuals affected with IL17RC-related conditions. ClinVar contains an entry for this variant (Variation ID: 1501763). Algorithms developed to predict the effect of missense changes on protein structure and function output the following: SIFT: "Not Available"; PolyPhen-2: "Benign"; Align-GVGD: "Not Available". The valine amino acid residue is found in multiple mammalian species, which suggests that this missense change does not adversely affect protein function. In summary, the available evidence is currently insufficient to determine the role of this variant in disease. Therefore, it has been classified as a Variant of Uncertain Significance.

Fulgent Genetics
Classification: Uncertain significance for Candidiasis, familial, 9. Last evaluated: 2021-10-08. Review status: criteria provided, single submitter. Criteria: ACMG Guidelines, 2015. Collection method: clinical testing. Allele origin: unknown.

NM_153460.4(IL17RC):c.497C>T (p.Ala166Val)

Gene: IL17RC (interleukin 17 receptor C; plus strand). Cytogenetic location: 3p25.3.
Variant type: single nucleotide variant.
Coding change: c.497C>T on transcript NM_153460.4 (MANE Select); coding-DNA position 497, C replaced by T.
Protein change: p.Ala166Val; replaces alanine 166 with valine.
Molecular consequence: missense variant. On other transcripts: non-coding transcript variant (1).
Genome position (GRCh38, 1-based): chr3:9,920,522, C>T. VCF-style: chr3-9920522-C-T. GRCh37 (hg19) VCF-style: chr3-9962206-C-T.
Other names: c.497C>T, p.Ala166Val (NM_001203263.2, NM_001203264.2, NM_001203265.2 and 3 more transcripts); c.422C>T, p.Ala141Val (NM_001367279.1); c.710C>T, p.Ala237Val (NM_153461.4); short protein forms A141V, A166V, A237V.
Identifiers: ClinVar variation 1501763 (VCV001501763.7), dbSNP rs770092351, ClinGen allele CA2246854.